The following is an entry in ClinVar:

NM_000213.5(ITGB4):c.4908_4912del (p.Thr1637fs)

Genes: GALK1 (galactokinase 1; minus strand), ITGB4 (integrin subunit beta 4; plus strand). Cytogenetic location: 17q25.1.
Variant type: Deletion.
Coding change: c.4908_4912del on transcript NM_000213.5 (MANE Select); coding-DNA positions 4908 to 4912, 5 bases deleted (CACTT; older notation c.4908_4912delCACTT).
Protein change: p.Thr1637fs; shifts the reading frame from threonine 1637.
Molecular consequence: frameshift variant. On other transcripts: intron variant (1).
Genome position (GRCh38, 1-based): chr17:75,756,714-75,756,718, CACTT deleted; deleting any 5 consecutive bases within chr17:75,756,711-75,756,718 gives the same sequence; the c. name uses the placement nearest the transcript's 3' end. VCF-style (leftmost placement, unchanged base first): chr17-75756710-CCTTCA-C. GRCh37 (hg19) VCF-style: chr17-73752791-CCTTCA-C.
Other names: c.4857_4861del, p.Thr1620fs (NM_001005619.2); c.4698_4702del, p.Thr1567fs (NM_001005731.3, NM_001321123.2); c.4548_4552del, p.Thr1517fs (NM_001438834.1); c.*22+1319_*22+1323del (NM_001381985.1); short protein forms T1567fs, T1620fs, T1637fs, T1517fs.
Identifiers: ClinVar variation 2776049 (VCV002776049.3), dbSNP rs2545886648, ClinGen allele CA2639882666.
Genomic context (GRCh38, chr17:75,756,710, plus strand): 5'-CCATCATGCCCACCACCCACCCACAGGCTGATGCTCTTCCTCTACTGCCCCCAGGCTCCG[CCTTCA>C]CTTTGAGCACTCCCAGTGCCCCAGGCCCGCTGGTGTTCACTGCCCTGAGCCCAGACTCGC-3'

ClinVar aggregate classification (germline): Pathogenic (1 of 4 stars; one submission).

Submission:

Labcorp Genetics (formerly Invitae), Labcorp
Classification: Pathogenic. Last evaluated: 2023-05-30. Review status: criteria provided, single submitter. Criteria: Invitae Variant Classification Sherloc (09022015). Collection method: clinical testing. Allele origin: germline.
Comment: This variant is not present in population databases (gnomAD no frequency). This sequence change creates a premature translational stop signal (p.Thr1567Glufs*41) in the ITGB4 gene. It is expected to result in an absent or disrupted protein product. Loss-of-function variants in ITGB4 are known to be pathogenic (PMID: 11328943, 16473856). For these reasons, this variant has been classified as Pathogenic. This variant has not been reported in the literature in individuals affected with ITGB4-related conditions.

Literature cited by the submitters: PubMed 11328943; PubMed 16473856.